The following is an entry in ClinVar:

ClinVar aggregate classification (germline): Uncertain significance. Review status: criteria provided, multiple submitters, no conflicts (2 of 4 stars). 3 submissions from 3 submitters: Uncertain significance (3). Last evaluated 2025-05-03.

Conditions:
Cardiovascular phenotype. Identifiers: MedGen CN230736.
Walker-Warburg congenital muscular dystrophy. Also called: Muscular dystrophy-dystroglycanopathy, type A; Walker-Warburg syndrome. Identifiers: Orphanet 899, MedGen C0265221, MONDO:0000171.

Allele frequency attached by ClinVar (database versions not stated): gnomAD 0.00002 and below 0.00001; TOPMed 0.00001; gnomAD exomes 0.00001; ExAC 0.00001.
gnomAD v4.1: 15 of 1,613,910 alleles (0.00093%); highest among the groups gnomAD compares: South Asian, 0.0055%; 2 homozygotes.

Submissions (3):

Ambry Genetics
Classification: Uncertain significance for Cardiovascular phenotype. Last evaluated: 2025-05-03. Review status: criteria provided, single submitter. Criteria: Ambry Variant Classification Scheme 2023. Collection method: clinical testing. Allele origin: germline.
Comment: The p.R209H variant (also known as c.626G>A), located in coding exon 4 of the FKTN gene, results from a G to A substitution at nucleotide position 626. The arginine at codon 209 is replaced by histidine, an amino acid with highly similar properties. This amino acid position is conserved. In addition, this alteration is predicted to be tolerated by in silico analysis. Based on the available evidence, the clinical significance of this variant remains unclear.

Labcorp Genetics (formerly Invitae), Labcorp
Classification: Uncertain significance for Walker-Warburg congenital muscular dystrophy. Last evaluated: 2022-02-11. Review status: criteria provided, single submitter. Criteria: Invitae Variant Classification Sherloc (09022015). Collection method: clinical testing. Allele origin: germline.
Comment: This sequence change replaces arginine, which is basic and polar, with histidine, which is basic and polar, at codon 209 of the FKTN protein (p.Arg209His). This variant is present in population databases (rs771109111, gnomAD 0.003%). This variant has not been reported in the literature in individuals affected with FKTN-related conditions. ClinVar contains an entry for this variant (Variation ID: 501761). Algorithms developed to predict the effect of missense changes on protein structure and function output the following: SIFT: "Tolerated"; PolyPhen-2: "Benign"; Align-GVGD: "Class C0". The histidine amino acid residue is found in multiple mammalian species, which suggests that this missense change does not adversely affect protein function. In summary, the available evidence is currently insufficient to determine the role of this variant in disease. Therefore, it has been classified as a Variant of Uncertain Significance.

Eurofins Ntd Llc (ga)
Classification: Uncertain significance. Last evaluated: 2017-05-05. Review status: criteria provided, single submitter. Criteria: EGL Classification Definitions 2015. Collection method: clinical testing. Allele origin: germline. Observed: 1 variant allele, 1 heterozygote.

NM_001079802.2(FKTN):c.626G>A (p.Arg209His)

Gene: FKTN (fukutin; plus strand). Cytogenetic location: 9q31.2.
Variant type: single nucleotide variant.
Coding change: c.626G>A on transcript NM_001079802.2 (MANE Select); coding-DNA position 626, G replaced by A.
Protein change: p.Arg209His; replaces arginine 209 with histidine.
Molecular consequence: missense variant. On other transcripts: non-coding transcript variant (2).
Genome position (GRCh38, 1-based): chr9:105,604,471, G>A. VCF-style: chr9-105604471-G-A. GRCh37 (hg19) VCF-style: chr9-108366752-G-A.
Other names: c.626G>A, p.Arg209His (NM_001198963.2, NM_001351496.2, NM_001351498.2 and 1 more transcripts); c.557G>A, p.Arg186His (NM_001351497.2); c.230G>A, p.Arg77His (NM_001351499.2, NM_001351500.2, NM_001351501.2 and 1 more transcripts); c.626G>A (NM_001079802.1); short protein forms R209H, R186H, R77H.
Identifiers: ClinVar variation 501761 (VCV000501761.7), dbSNP rs771109111, ClinGen allele CA5170449.